The following is an entry in ClinVar:

NM_000397.4(CYBB):c.727G>C (p.Val243Leu)

Gene: CYBB (cytochrome b-245 beta chain; plus strand). Cytogenetic location: Xp21.1.
Variant type: single nucleotide variant.
Coding change: c.727G>C on transcript NM_000397.4 (MANE Select); coding-DNA position 727, G replaced by C.
Protein change: p.Val243Leu; replaces valine 243 with leucine.
Molecular consequence: missense variant.
Genome position (GRCh38, 1-based): chrX:37,799,007, G>C. VCF-style: chrX-37799007-G-C. GRCh37 (hg19) VCF-style: chrX-37658260-G-C.
Other names: short protein forms V243L.
Identifiers: ClinVar variation 2911430 (VCV002911430.4), dbSNP rs782132299, ClinGen allele CA10383787.

ClinVar aggregate classification (germline): Conflicting classifications of pathogenicity. Review status: criteria provided, conflicting classifications (1 of 4 stars). 2 submissions from 2 submitters: Uncertain significance (1); Likely benign (1). Last evaluated 2024-11-27.

Conditions:
Granulomatous disease, chronic, X-linked. Also called: CYTOCHROME b-NEGATIVE GRANULOMATOUS DISEASE, CHRONIC, X-LINKED; GRANULOMATOUS DISEASE, CHRONIC, X-LINKED, SOMATIC MOSAIC. Identifiers: Orphanet 379, MedGen C1844376, MONDO:0010600, OMIM 306400.

Allele frequency attached by ClinVar (database versions not stated): gnomAD exomes below 0.00001; TOPMed below 0.00001; ExAC 0.00001; gnomAD 0.00002.
gnomAD v4.1: 5 of 1,206,425 alleles (0.00041%); highest among the groups gnomAD compares: Admixed American, 0.0088%; no homozygotes.

Submissions (2):

Labcorp Genetics (formerly Invitae), Labcorp
Classification: Likely benign for Granulomatous disease, chronic, X-linked. Last evaluated: 2024-11-27. Review status: criteria provided, single submitter. Criteria: Invitae Variant Classification Sherloc (09022015). Collection method: clinical testing. Allele origin: germline.

Women's Health and Genetics/Laboratory Corporation of America, LabCorp
Classification: Uncertain significance. Last evaluated: 2024-04-29. Review status: criteria provided, single submitter. Criteria: LabCorp Variant Classification Summary - May 2015. Collection method: clinical testing. Allele origin: germline.
Comment: Variant summary: CYBB c.727G>C (p.Val243Leu) results in a conservative amino acid change in the encoded protein sequence. Five of five in-silico tools predict a benign effect of the variant on protein function. The variant allele was found at a frequency of 1.1e-05 in 181450 control chromosomes. The available data on variant occurrences in the general population are insufficient to allow any conclusion about variant significance. To our knowledge, no occurrence of c.727G>C in individuals affected with X-Linked Chronic Granulomatous Disease and no experimental evidence demonstrating its impact on protein function have been reported. ClinVar contains an entry for this variant (Variation ID: 2911430). Based on the evidence outlined above, the variant was classified as uncertain significance.